The following is an entry in ClinVar:

ClinVar aggregate classification (germline): Conflicting classifications of pathogenicity. Review status: criteria provided, conflicting classifications (1 of 4 stars). 2 submissions from 2 submitters: Uncertain significance (1); Likely benign (1). Last evaluated 2023-03-23.

Conditions:
Hereditary cancer-predisposing syndrome. Also called: Neoplastic Syndromes, Hereditary; Hereditary Cancer Syndrome; Hereditary neoplastic syndrome; Tumor predisposition. Identifiers: Orphanet 140162, MedGen C0027672, MeSH D009386, MONDO:0015356.

Submissions (2):

University of Washington Department of Laboratory Medicine, University of Washington
Classification: Likely benign for Hereditary cancer-predisposing syndrome. Last evaluated: 2023-03-23. Review status: criteria provided, single submitter. Criteria: Dines et al. (Genet Med. 2020). Collection method: curation. Allele origin: germline.
Comment: Missense variant in a coldspot region where missense variants are very unlikely to be pathogenic (PMID:31911673).

BRCA2 exon 11 coldspot. Reclassification based on statistical prior probability.

Ambry Genetics
Classification: Uncertain significance for Hereditary cancer-predisposing syndrome. Last evaluated: 2020-07-16. Review status: criteria provided, single submitter. Criteria: Ambry Variant Classification Scheme 2023. Collection method: clinical testing. Allele origin: germline.
Comment: The p.N1297K variant (also known as c.3891T>A), located in coding exon 10 of the BRCA2 gene, results from a T to A substitution at nucleotide position 3891. The asparagine at codon 1297 is replaced by lysine, an amino acid with similar properties. This amino acid position is not well conserved in available vertebrate species. In addition, this alteration is predicted to be tolerated by in silico analysis. Since supporting evidence is limited at this time, the clinical significance of this alteration remains unclear.

NM_000059.4(BRCA2):c.3891T>A (p.Asn1297Lys)

Gene: BRCA2 (BRCA2 DNA repair associated; plus strand). Cytogenetic location: 13q13.1.
Variant type: single nucleotide variant.
Coding change: c.3891T>A on transcript NM_000059.4 (MANE Select); coding-DNA position 3891, T replaced by A.
Protein change: p.Asn1297Lys; replaces asparagine 1297 with lysine.
Molecular consequence: missense variant.
Genome position (GRCh38, 1-based): chr13:32,338,246, T>A. VCF-style: chr13-32338246-T-A. GRCh37 (hg19) VCF-style: chr13-32912383-T-A.
Other names: short protein forms N1297K.
Identifiers: ClinVar variation 479297 (VCV000479297.7), dbSNP rs1555283450, ClinGen allele CA387778768.